The following is an entry in ClinVar:

NM_002393.5(MDM4):c.90dup (p.Leu31fs)

Gene: MDM4 (MDM4 regulator of p53; plus strand). Cytogenetic location: 1q32.1.
Variant type: Duplication.
Coding change: c.90dup on transcript NM_002393.5 (MANE Select); coding-DNA position 90, one base duplicated (A; older notation c.90dupA).
Protein change: p.Leu31fs; shifts the reading frame from leucine 31.
Molecular consequence: frameshift variant. On other transcripts: intron variant (2).
Genome position (GRCh38, 1-based): chr1:204,526,371, A duplicated; the last of 4 consecutive A bases (chr1:204,526,368-204,526,371); duplicating any one gives the same sequence. VCF-style (leftmost placement, unchanged base first): chr1-204526367-C-CA. GRCh37 (hg19) VCF-style: chr1-204495495-C-CA.
Other names: c.90dup, p.Leu31fs (NM_001204171.2, NM_001278516.2, NM_001278518.2 and 1 more transcripts); c.78+775dup (NM_001278517.2, NM_001204172.2); short protein forms L31fs.
Identifiers: ClinVar variation 3602675 (VCV003602675.1).

ClinVar aggregate classification (germline): Uncertain significance (1 of 4 stars; one submission).

Conditions:
Bone marrow failure syndrome 6. Identifiers: MedGen C5394274, MONDO:0030015, OMIM 618849.

Submission:

St. Jude Molecular Pathology, St. Jude Children's Research Hospital
Classification: Uncertain significance for Bone marrow failure syndrome 6. Last evaluated: 2024-08-07. Review status: criteria provided, single submitter. Criteria: St. Jude Assertion Criteria 2020. Collection method: clinical testing. Allele origin: germline.
Comment: The MDM4 c.90dup (p.Leu31ThrfsTer15) change inserts one nucleotide to cause a frameshift and the creation of a premature stop codon. This variant is predicted to result in protein truncation or the absence of protein due to nonsense-mediated decay. Preliminary studies utilizing CRISPR/Cas9 and induced pluripotent stem cells (iPSCs) suggests that this variant may cause increased p53 activity and may impair hematopoiesis (DOI 10.1182/blood-2022-162614). This variant is also absent in gnomAD v2.1.1. In summary, the evidence currently available is insufficient to determine the clinical significance of this variant. It has therefore been classified as of uncertain significance.